The following is an entry in ClinVar:

ClinVar aggregate classification (germline): Uncertain significance (1 of 4 stars; one submission).

Conditions:
Hereditary cancer-predisposing syndrome. Also called: Tumor predisposition; Hereditary neoplastic syndrome; Neoplastic Syndromes, Hereditary; Hereditary Cancer Syndrome. Identifiers: Orphanet 140162, MedGen C0027672, MeSH D009386, MONDO:0015356.

Submission:

Ambry Genetics
Classification: Uncertain significance for Hereditary cancer-predisposing syndrome. Last evaluated: 2025-04-01. Review status: criteria provided, single submitter. Criteria: Ambry Variant Classification Scheme 2023. Collection method: clinical testing. Allele origin: germline.
Comment: The p.T719I variant (also known as c.2156C>T), located in coding exon 11 of the BARD1 gene, results from a C to T substitution at nucleotide position 2156. The threonine at codon 719 is replaced by isoleucine, an amino acid with similar properties. This amino acid position is conserved. In addition, the in silico prediction for this alteration is inconclusive. Based on the available evidence, the clinical significance of this variant remains unclear.

NM_000465.4(BARD1):c.2156C>T (p.Thr719Ile)

Gene: BARD1 (BRCA1 associated RING domain 1; minus strand). Cytogenetic location: 2q35.
Variant type: single nucleotide variant.
Coding change: c.2156C>T on transcript NM_000465.4 (MANE Select); coding-DNA position 2156, C replaced by T.
Protein change: p.Thr719Ile; replaces threonine 719 with isoleucine.
Molecular consequence: missense variant. On other transcripts: non-coding transcript variant (3).
Genome position (GRCh38, 1-based): chr2:214,728,854, G>A on the plus strand (C>T on the coding strand, the complement: BARD1 is on the minus strand). VCF-style: chr2-214728854-G-A. GRCh37 (hg19) VCF-style: chr2-215593578-G-A.
Other names: c.2099C>T, p.Thr700Ile (NM_001282543.2); c.803C>T, p.Thr268Ile (NM_001282545.2); c.746C>T, p.Thr249Ile (NM_001282548.2); c.617C>T, p.Thr206Ile (NM_001282549.2); short protein forms T206I, T268I, T700I, T249I, T719I.
Identifiers: ClinVar variation 3988332 (VCV003988332.1).
Genomic context (GRCh38, chr2:214,728,854, plus strand): 5'-TAGATGATATACTGTGTGCAGAAGCGCTGATCAGAATCGGGTCTCGCATGGTATGCGACT[G>A]TATTGATGGTCTGAGTCACGTCACTGTCTGGCTTGGGCTTTCTACTGAGGATCTGGCCCC-3'
Protein context (NP_000456.2, residues 709-729): PDSDVTQTIN[Thr719Ile]VAYHARPDSD